The following is an entry in ClinVar:

ClinVar aggregate classification (germline): Pathogenic (1 of 4 stars; one submission).

Submission:

Labcorp Genetics (formerly Invitae), Labcorp
Classification: Pathogenic. Last evaluated: 2023-02-25. Review status: criteria provided, single submitter. Criteria: Invitae Variant Classification Sherloc (09022015). Collection method: clinical testing. Allele origin: germline.
Comment: This variant has not been reported in the literature in individuals affected with SLC39A4-related conditions. For these reasons, this variant has been classified as Pathogenic. This sequence change creates a premature translational stop signal (p.Cys57*) in the SLC39A4 gene. It is expected to result in an absent or disrupted protein product. Loss-of-function variants in SLC39A4 are known to be pathogenic (PMID: 12955721). Information on the frequency of this variant in the gnomAD database is not available, as this variant may be reported differently in the database.

Literature cited by the submitters: PubMed 12955721.

NM_130849.4(SLC39A4):c.171_172delinsAA (p.Cys57_Ala58delinsTer)

Gene: SLC39A4 (solute carrier family 39 member 4; minus strand). Cytogenetic location: 8q24.3.
Variant type: Indel.
Coding change: c.171_172delinsAA on transcript NM_130849.4 (MANE Select); coding-DNA positions 171 to 172, CG replaced by AA.
Protein change: p.Cys57_Ala58delinsTer.
Molecular consequence: nonsense.
Genome position (GRCh38, 1-based): chr8:144,416,618-144,416,619, CG replaced by TT on the plus strand (CG replaced by AA on the coding strand, the reverse complement: SLC39A4 is on the minus strand). VCF-style: chr8-144416618-CG-TT. GRCh37 (hg19) VCF-style: chr8-145642002-CG-TT.
Other names: c.171_172delinsAA, p.Cys57_Ala58delinsTer (NM_001374839.1).
Identifiers: ClinVar variation 2818796 (VCV002818796.3), dbSNP rs2537440099, ClinGen allele CA2739269104.